The following is an entry in ClinVar:

NM_153717.3(EVC):c.1122dup (p.Arg375fs)

Gene: EVC (EvC ciliary complex subunit 1; plus strand). Cytogenetic location: 4p16.2.
Variant type: Duplication.
Coding change: c.1122dup on transcript NM_153717.3 (MANE Select); coding-DNA position 1122, one base duplicated (G; older notation c.1122dupG).
Protein change: p.Arg375fs; shifts the reading frame from arginine 375.
Molecular consequence: frameshift variant.
Genome position (GRCh38, 1-based): chr4:5,752,859, G duplicated; the last of 4 consecutive G bases (chr4:5,752,856-5,752,859); duplicating any one gives the same sequence. VCF-style (leftmost placement, unchanged base first): chr4-5752855-T-TG. GRCh37 (hg19) VCF-style: chr4-5754582-T-TG.
Other names: c.1122dup, p.Arg375fs (NM_001306090.2, NM_001306092.2); short protein forms R375fs.
Identifiers: ClinVar variation 2952865 (VCV002952865.3), dbSNP rs2475379592, ClinGen allele CA2669806992.

ClinVar aggregate classification (germline): Pathogenic (1 of 4 stars; one submission).

Conditions:
Ellis-van Creveld syndrome (EVC). Also called: EVC-Related Ellis-van Creveld Syndrome; EVC2-Related Ellis-van Creveld Syndrome; MESOECTODERMAL DYSPLASIA; Chondroectodermal dysplasia. Identifiers: Orphanet 289, MedGen C0013903, MONDO:0009162, OMIM 225500.
Curry-Hall syndrome (WAD). Also called: WEYERS ACRODENTAL DYSOSTOSIS. Identifiers: Orphanet 952, MedGen C0457013, MONDO:0008673, OMIM 193530.

Submission:

Labcorp Genetics (formerly Invitae), Labcorp
Classification: Pathogenic for Curry-Hall syndrome; Ellis-van Creveld syndrome. Last evaluated: 2023-10-14. Review status: criteria provided, single submitter. Criteria: Invitae Variant Classification Sherloc (09022015). Collection method: clinical testing. Allele origin: germline.
Comment: This sequence change creates a premature translational stop signal (p.Arg375Alafs*9) in the EVC gene. It is expected to result in an absent or disrupted protein product. Loss-of-function variants in EVC are known to be pathogenic (PMID: 23220543). This variant is not present in population databases (gnomAD no frequency). This variant has not been reported in the literature in individuals affected with EVC-related conditions. For these reasons, this variant has been classified as Pathogenic.

Literature cited by the submitters: PubMed 23220543.